The following is an entry in ClinVar:

ClinVar aggregate classification (germline): Likely benign. Review status: criteria provided, multiple submitters, no conflicts (2 of 4 stars). 2 submissions from 2 submitters: Likely benign (2). Last evaluated 2025-12-03.

Conditions:
Hypertrophic cardiomyopathy. Also called: HYPERTROPHIC MYOCARDIOPATHY. Identifiers: Orphanet 217569, MedGen C0007194, MeSH D002312, MONDO:0005045, HP:0001639.
Cardiomyopathy (CMYO). Also called: Cardiomyopathies. Identifiers: Orphanet 167848, MedGen C0878544, MONDO:0004994, HP:0001638. Inheritance: Various modes of inheritance.

gnomAD v4.1: 1 of 1,613,900 alleles (0.000062%); highest among the groups gnomAD compares: Non-Finnish European, 0.000085%; no homozygotes.

Submissions (2):

Labcorp Genetics (formerly Invitae), Labcorp
Classification: Likely benign for Hypertrophic cardiomyopathy. Last evaluated: 2025-12-03. Review status: criteria provided, single submitter. Criteria: Invitae Variant Classification Sherloc (09022015). Collection method: clinical testing. Allele origin: germline.

All of Us Research Program, National Institutes of Health
Classification: Likely benign for Cardiomyopathy. Last evaluated: 2023-09-04. Review status: criteria provided, single submitter. Criteria: ACMG Guidelines, 2015. Collection method: clinical testing. Allele origin: germline. Inheritance: Autosomal dominant inheritance. Observed: 2 variant alleles, 2 heterozygotes.
Comment: This study involves interpretation of variants in research participants for the purpose of population health screening. Participant phenotype was not available at the time of variant classification. Additional details can be found in publication PMID: 35346344, PMCID: PMC8962531

NM_000257.4(MYH7):c.3727-5C>T

Gene: MYH7 (myosin heavy chain 7; minus strand). Cytogenetic location: 14q11.2.
Variant type: single nucleotide variant.
Coding change: c.3727-5C>T on transcript NM_000257.4 (MANE Select); 5 bases into the intron before coding-DNA position 3727, C replaced by T.
Molecular consequence: intron variant.
Genome position (GRCh38, 1-based): chr14:23,419,614, G>A on the plus strand (C>T on the coding strand, the complement: MYH7 is on the minus strand). VCF-style: chr14-23419614-G-A. GRCh37 (hg19) VCF-style: chr14-23888823-G-A.
Other names: c.3727-5C>T (NM_001407004.1).
Identifiers: ClinVar variation 3072821 (VCV003072821.2), dbSNP rs1160062159, ClinGen allele CA2123445563.
Genomic context (GRCh38, chr14:23,419,614, plus strand): 5'-CTCCGGTGCTCATTCATCTGGTCTTCCAAGGTCCGGCACATCTTCTCCAGGTTAGCCTGA[G>A]AAGGGAAGGAGAGTTATATGATGGATGTTGGGGGCGGGGGGAATGAAGGGGTGTAAGAGG-3'